The following is an entry in ClinVar:

NM_001025295.3(IFITM5):c.376T>G (p.Phe126Val)

Gene: IFITM5 (interferon induced transmembrane protein 5; minus strand). Cytogenetic location: 11p15.5.
Variant type: single nucleotide variant.
Coding change: c.376T>G on transcript NM_001025295.3 (MANE Select); coding-DNA position 376, T replaced by G.
Protein change: p.Phe126Val; replaces phenylalanine 126 with valine.
Molecular consequence: missense variant.
Genome position (GRCh38, 1-based): chr11:298,524, A>C on the plus strand (T>G on the coding strand, the complement: IFITM5 is on the minus strand). VCF-style: chr11-298524-A-C. GRCh37 (hg19) VCF-style: chr11-298524-A-C.
Other names: p.Phe126Val; c.376T>G (NM_001025295.1); short protein forms F126V.
Identifiers: ClinVar variation 1900671 (VCV001900671.8), dbSNP rs1845890672, ClinGen allele CA378889954.

ClinVar aggregate classification (germline): Conflicting classifications of pathogenicity. Review status: criteria provided, conflicting classifications (1 of 4 stars). 3 submissions from 3 submitters: Uncertain significance (2); Likely benign (1). Last evaluated 2023-11-15.

Conditions:
Inborn genetic diseases. Identifiers: MedGen C0950123, MeSH D030342.

Allele frequency attached by ClinVar (database versions not stated): gnomAD exomes below 0.00001; TOPMed 0.00002.
gnomAD v4.1: 4 of 1,611,970 alleles (0.00025%); highest among the groups gnomAD compares: Non-Finnish European, 0.00017%; no homozygotes.

Submissions (3):

Mayo Clinic Laboratories, Mayo Clinic
Classification: Uncertain significance. Last evaluated: 2023-11-15. Review status: criteria provided, single submitter. Criteria: ACMG Guidelines, 2015. Collection method: clinical testing. Allele origin: germline. Observed: 1 variant allele.
Comment: PM2

Ambry Genetics
Classification: Uncertain significance for Inborn genetic diseases. Last evaluated: 2023-07-25. Review status: criteria provided, single submitter. Criteria: Ambry Variant Classification Scheme 2023. Collection method: clinical testing. Allele origin: germline.

Labcorp Genetics (formerly Invitae), Labcorp
Classification: Likely benign. Last evaluated: 2022-09-12. Review status: criteria provided, single submitter. Criteria: Invitae Variant Classification Sherloc (09022015). Collection method: clinical testing. Allele origin: germline.